The following is an entry in ClinVar:

NM_001394062.1(MACF1):c.20599C>T (p.Gln6867Ter)

Gene: MACF1 (microtubule actin crosslinking factor 1; plus strand). Cytogenetic location: 1p34.3.
Variant type: single nucleotide variant.
Coding change: c.20599C>T on transcript NM_001394062.1 (MANE Select); coding-DNA position 20599, C replaced by T.
Protein change: p.Gln6867Ter; replaces glutamine 6867 with a stop codon.
Molecular consequence: nonsense.
Genome position (GRCh38, 1-based): chr1:39,452,336, C>T. VCF-style: chr1-39452336-C-T. GRCh37 (hg19) VCF-style: chr1-39918008-C-T.
Other names: c.8677C>T, p.Gln2893Ter (NM_001397473.1); c.14422C>T, p.Gln4808Ter (NM_012090.5); short protein forms Q2893*, Q4808*, Q6867*.
Identifiers: ClinVar variation 2629644 (VCV002629644.2), dbSNP rs2523262125, ClinGen allele CA339826081.

ClinVar aggregate classification (germline): Uncertain significance (0 of 4 stars; one submission).

Conditions:
MACF1-related disorder. Also called: MACF1-related condition.

Submission:

PreventionGenetics, part of Exact Sciences
Classification: Uncertain significance for MACF1-related condition. Last evaluated: 2024-03-27. Review status: no assertion criteria provided. Collection method: clinical testing. Allele origin: germline.
Comment: The MACF1 c.14422C>T variant is predicted to result in premature protein termination (p.Gln4808*). Only a limited number of loss-of-function variants have been reported in this gene to date, and therefore the functional consequences of this variant are unclear (Human Gene Mutation Database). Authors of one study speculated that the majority of causative missense variants in this gene may lead to a gain-of-function or dominant-negative mechanism, while loss-of-function variants could potentially result in neurodevelopmental disorders with incomplete penetrance (Dobyns et al. 2018. PubMed ID: 30471716). To our knowledge, this variant has not been reported in the literature or in a large population database, indicating this variant is rare. Although we suspect that this variant may be pathogenic, at this time, the clinical significance of this variant is uncertain due to the absence of conclusive functional and genetic evidence.